The following is an entry in ClinVar:

ClinVar aggregate classification (germline): Pathogenic (1 of 4 stars; one submission).

Conditions:
Alpha-N-acetylgalactosaminidase deficiency type 1. Also called: NAGA DEFICIENCY, TYPE I; NEUROAXONAL DYSTROPHY, SCHINDLER TYPE; SCHINDLER DISEASE, TYPE I; ALPHA-N-ACETYLGALACTOSAMINIDASE DEFICIENCY, TYPE I. Identifiers: Orphanet 3137, Orphanet 79279, Orphanet 79281, MedGen C1836544, MONDO:0012221, OMIM 609241.

Submission:

Labcorp Genetics (formerly Invitae), Labcorp
Classification: Pathogenic for Alpha-N-acetylgalactosaminidase deficiency type 1. Last evaluated: 2023-10-17. Review status: criteria provided, single submitter. Criteria: Invitae Variant Classification Sherloc (09022015). Collection method: clinical testing. Allele origin: germline.
Comment: This sequence change creates a premature translational stop signal (p.Leu323Hisfs*13) in the NAGA gene. It is expected to result in an absent or disrupted protein product. Loss-of-function variants in NAGA are known to be pathogenic (PMID: 8782044, 11251574). This variant is not present in population databases (gnomAD no frequency). This variant has not been reported in the literature in individuals affected with NAGA-related conditions. For these reasons, this variant has been classified as Pathogenic.

Literature cited by the submitters: PubMed 8782044; PubMed 11251574.

NM_000262.3(NAGA):c.968_969del (p.Leu323fs)

Gene: NAGA (alpha-N-acetylgalactosaminidase; minus strand). Cytogenetic location: 22q13.2.
Variant type: Microsatellite.
Coding change: c.968_969del on transcript NM_000262.3 (MANE Select); coding-DNA positions 968 to 969, 2 bases deleted (TC; older notation c.968_969delTC).
Protein change: p.Leu323fs; shifts the reading frame from leucine 323.
Molecular consequence: frameshift variant.
Genome position (GRCh38, 1-based): chr22:42,061,056-42,061,057, GA deleted on the plus strand (TC on the coding strand, the reverse complement: NAGA is on the minus strand); deleting any 2 consecutive bases within chr22:42,061,056-42,061,061 gives the same sequence; the c. name uses the placement nearest the transcript's 3' end. VCF-style (leftmost placement, unchanged base first): chr22-42061055-TGA-T. GRCh37 (hg19) VCF-style: chr22-42457059-TGA-T.
Other names: c.968_969del, p.Leu323fs (NM_001362848.1, NM_001362850.1); short protein forms L323fs.
Identifiers: ClinVar variation 2769604 (VCV002769604.3), dbSNP rs2519053637, ClinGen allele CA2697552786.